The following is an entry in ClinVar:

NM_004304.5(ALK):c.2428A>G (p.Ser810Gly)

Gene: ALK (ALK receptor tyrosine kinase; minus strand). Cytogenetic location: 2p23.2.
Variant type: single nucleotide variant.
Coding change: c.2428A>G on transcript NM_004304.5 (MANE Select); coding-DNA position 2428, A replaced by G.
Protein change: p.Ser810Gly; replaces serine 810 with glycine.
Molecular consequence: missense variant.
Genome position (GRCh38, 1-based): chr2:29,233,624, T>C on the plus strand (A>G on the coding strand, the complement: ALK is on the minus strand). VCF-style: chr2-29233624-T-C. GRCh37 (hg19) VCF-style: chr2-29456490-T-C.
Other names: short protein forms S810G.
Identifiers: ClinVar variation 1365275 (VCV001365275.6), dbSNP rs2148184523, ClinGen allele CA346472266.
Genomic context (GRCh38, chr2:29,233,624, plus strand): 5'-CCTTAAATACGTAGGTGGCTCCACCCCCTCCTCCTCCGCCTCCTGCCCACTCATGCACGC[T>C]TCTGTTCACACGGATTTCTTCTTCTATCACATTGTTCTCTCCAATGCAGACTTTCTGGAT-3'
Protein context (NP_004295.2, residues 800-820): VIEEEIRVNR[Ser810Gly]VHEWAGGGGG

ClinVar aggregate classification (germline): Uncertain significance (1 of 4 stars; one submission).

Conditions:
Neuroblastoma, susceptibility to, 3. Also called: ALK-Related Neuroblastic Tumor Susceptibility. Identifiers: Orphanet 635, MedGen C2751681, MONDO:0013083, OMIM 613014.

Submission:

Labcorp Genetics (formerly Invitae), Labcorp
Classification: Uncertain significance for Neuroblastoma, susceptibility to, 3. Last evaluated: 2021-09-20. Review status: criteria provided, single submitter. Criteria: Invitae Variant Classification Sherloc (09022015). Collection method: clinical testing. Allele origin: germline.
Comment: In summary, the available evidence is currently insufficient to determine the role of this variant in disease. Therefore, it has been classified as a Variant of Uncertain Significance. Algorithms developed to predict the effect of missense changes on protein structure and function (SIFT, PolyPhen-2, Align-GVGD) all suggest that this variant is likely to be disruptive. This variant has not been reported in the literature in individuals affected with ALK-related conditions. This variant is not present in population databases (ExAC no frequency). This sequence change replaces serine with glycine at codon 810 of the ALK protein (p.Ser810Gly). The serine residue is highly conserved and there is a small physicochemical difference between serine and glycine.